The following is an entry in ClinVar:

NM_020831.6(MRTFA):c.1552G>A (p.Gly518Arg)

Gene: MRTFA (myocardin related transcription factor A; minus strand). Cytogenetic location: 22q13.1.
Variant type: single nucleotide variant.
Coding change: c.1552G>A on transcript NM_020831.6 (MANE Select); coding-DNA position 1552, G replaced by A.
Protein change: p.Gly518Arg; replaces glycine 518 with arginine.
Molecular consequence: missense variant.
Genome position (GRCh38, 1-based): chr22:40,419,186, C>T on the plus strand (G>A on the coding strand, the complement: MRTFA is on the minus strand). VCF-style: chr22-40419186-C-T. GRCh37 (hg19) VCF-style: chr22-40815190-C-T.
Other names: c.1252G>A, p.Gly418Arg (NM_001282660.2); c.1402G>A, p.Gly468Arg (NM_001282661.3); c.1552G>A, p.Gly518Arg (NM_001282662.3); c.1357G>A, p.Gly453Arg (NM_001318139.2); c.1252G>A (NM_020831.3); short protein forms G468R, G453R, G418R, G518R.
Identifiers: ClinVar variation 1900400 (VCV001900400.7), dbSNP rs200596048, ClinGen allele CA10249643.
Genomic context (GRCh38, chr22:40,419,186, plus strand): 5'-TGGCCACCGTGGCCACCACCACCTCAGCTGGAGCCAGGCCTGCTGCCACCAGGGCTGGCC[C>T]CGTGCTCAGCCGGGCCGCTGGGAAGGCTACCACCACCTCGCCAGCCTTGTGCAGGATAGA-3'
Protein context (NP_065882.2, residues 508-528): VAFPAARLST[Gly518Arg]PALVAAGLAP

ClinVar aggregate classification (germline): Uncertain significance. Review status: criteria provided, multiple submitters, no conflicts (2 of 4 stars). 2 submissions from 2 submitters: Uncertain significance (2). Last evaluated 2024-12-17.

Allele frequency attached by ClinVar (database versions not stated): gnomAD exomes 0.00001; gnomAD 0.00003; TOPMed 0.00006; ExAC 0.00007; 1000 Genomes Project 30x 0.00016; 1000 Genomes Project 0.00020.
gnomAD v4.1: 23 of 1,586,748 alleles (0.0014%); highest among the groups gnomAD compares: East Asian, 0.051%; no homozygotes.

Submissions (2):

Labcorp Genetics (formerly Invitae), Labcorp
Classification: Uncertain significance. Last evaluated: 2024-12-17. Review status: criteria provided, single submitter. Criteria: Invitae Variant Classification Sherloc (09022015). Collection method: clinical testing. Allele origin: germline.
Comment: This sequence change replaces glycine, which is neutral and non-polar, with arginine, which is basic and polar, at codon 418 of the MKL1 protein (p.Gly418Arg). This variant is present in population databases (rs200596048, gnomAD 0.09%), and has an allele count higher than expected for a pathogenic variant. This variant has not been reported in the literature in individuals affected with MKL1-related conditions. ClinVar contains an entry for this variant (Variation ID: 1900400). An algorithm developed to predict the effect of missense changes on protein structure and function (PolyPhen-2) suggests that this variant is likely to be disruptive. In summary, the available evidence is currently insufficient to determine the role of this variant in disease. Therefore, it has been classified as a Variant of Uncertain Significance.

Ambry Genetics
Classification: Uncertain significance. Last evaluated: 2023-07-19. Review status: criteria provided, single submitter. Criteria: Ambry Variant Classification Scheme 2023. Collection method: clinical testing. Allele origin: germline.